The following is an entry in ClinVar:

NM_022765.4(MICAL1):c.3161G>A (p.Arg1054His)

Gene: MICAL1 (microtubule associated monooxygenase, calponin and LIM domain containing 1; minus strand). Cytogenetic location: 6q21.
Variant type: single nucleotide variant.
Coding change: c.3161G>A on transcript NM_022765.4 (MANE Select); coding-DNA position 3161, G replaced by A.
Protein change: p.Arg1054His; replaces arginine 1054 with histidine.
Molecular consequence: missense variant.
Genome position (GRCh38, 1-based): chr6:109,444,234, C>T on the plus strand (G>A on the coding strand, the complement: MICAL1 is on the minus strand). VCF-style: chr6-109444234-C-T. GRCh37 (hg19) VCF-style: chr6-109765437-C-T.
Other names: c.2903G>A, p.Arg968His (NM_001159291.2); c.3218G>A, p.Arg1073His (NM_001286613.2); short protein forms R1054H, R1073H, R968H.
Identifiers: ClinVar variation 2074718 (VCV002074718.4), dbSNP rs139807207, ClinGen allele CA3952630.
Genomic context (GRCh38, chr6:109,444,234, plus strand): 5'-AGACGGCCCACCCTCGTCTAGCCCTGGGCCCCTGTCCCCAAGGCCAGCTCGCTGAGCCTG[C>T]GCTCCTCCTGGAAGCGGATGAGGGCATCTCTCTGGTTGACCAAATCCACCAGCTTCCTCA-3'
Protein context (NP_073602.3, residues 1044-1064): RDALIRFQEE[Arg1054His]RLSELALGTG

ClinVar aggregate classification (germline): Uncertain significance (1 of 4 stars; one submission).

Allele frequency attached by ClinVar (database versions not stated): gnomAD 0.00006; TOPMed 0.00006; ExAC 0.00008; gnomAD exomes 0.00002; ESP Exome Variant Server 0.00008.
gnomAD v4.1: 41 of 1,613,542 alleles (0.0025%); highest among the groups gnomAD compares: African/African-American, 0.015%; no homozygotes.

Submission:

Labcorp Genetics (formerly Invitae), Labcorp
Classification: Uncertain significance. Last evaluated: 2025-01-14. Review status: criteria provided, single submitter. Criteria: Invitae Variant Classification Sherloc (09022015). Collection method: clinical testing. Allele origin: germline.
Comment: This sequence change replaces arginine, which is basic and polar, with histidine, which is basic and polar, at codon 1073 of the MICAL1 protein (p.Arg1073His). This variant is present in population databases (rs139807207, gnomAD 0.01%). This variant has not been reported in the literature in individuals affected with MICAL1-related conditions. ClinVar contains an entry for this variant (Variation ID: 2074718). An algorithm developed to predict the effect of missense changes on protein structure and function (PolyPhen-2) suggests that this variant is likely to be disruptive. In summary, the available evidence is currently insufficient to determine the role of this variant in disease. Therefore, it has been classified as a Variant of Uncertain Significance.